The following is an entry in ClinVar:

ClinVar aggregate classification (germline): Uncertain significance (1 of 4 stars; one submission).

Submission:

Women's Health and Genetics/Laboratory Corporation of America, LabCorp
Classification: Uncertain significance. Last evaluated: 2024-06-03. Review status: criteria provided, single submitter. Criteria: LabCorp Variant Classification Summary - May 2015. Collection method: clinical testing. Allele origin: germline.
Comment: Variant summary: DNAH5 c.8366A>G (p.His2789Arg) results in a non-conservative amino acid change located in the Dynein heavy chain 3, AAA+ lid domain (IPR041589) of the encoded protein sequence. Five of five in-silico tools predict a damaging effect of the variant on protein function. The variant was absent in 251336 control chromosomes. The available data on variant occurrences in the general population are insufficient to allow any conclusion about variant significance. c.8366A>G has been reported in the literature in at-least one individual affected with Primary ciliary dyskinesia (example: Guan_2021). These report(s) do not provide unequivocal conclusions about association of the variant with Primary ciliary dyskinesia 3. To our knowledge, no experimental evidence demonstrating an impact on protein function has been reported. The following publication has been ascertained in the context of this evaluation (PMID: 33577779). No submitters have cited clinical-significance assessments for this variant to ClinVar. Based on the evidence outlined above, the variant was classified as uncertain significance.

Literature cited by the submitters: PubMed 33577779.

NM_001369.3(DNAH5):c.8366A>G (p.His2789Arg)

Gene: DNAH5 (dynein axonemal heavy chain 5; minus strand). Cytogenetic location: 5p15.2.
Variant type: single nucleotide variant.
Coding change: c.8366A>G on transcript NM_001369.3 (MANE Select); coding-DNA position 8366, A replaced by G.
Protein change: p.His2789Arg; replaces histidine 2789 with arginine.
Molecular consequence: missense variant.
Genome position (GRCh38, 1-based): chr5:13,792,076, T>C on the plus strand (A>G on the coding strand, the complement: DNAH5 is on the minus strand). VCF-style: chr5-13792076-T-C. GRCh37 (hg19) VCF-style: chr5-13792185-T-C.
Other names: short protein forms H2789R.
Identifiers: ClinVar variation 3339768 (VCV003339768.1).